The following is an entry in ClinVar:

ClinVar aggregate classification (germline): Uncertain significance. Review status: criteria provided, multiple submitters, no conflicts (2 of 4 stars). 2 submissions from 2 submitters: Uncertain significance (2). Last evaluated 2025-10-15.

Conditions:
Inborn genetic diseases. Identifiers: MedGen C0950123, MeSH D030342.

Allele frequency attached by ClinVar (database versions not stated): gnomAD exomes below 0.00001; gnomAD 0.00001.
gnomAD v4.1: 3 of 1,613,698 alleles (0.00019%); highest among the groups gnomAD compares: Non-Finnish European, 0.00017%; no homozygotes.

Submissions (2):

Ambry Genetics
Classification: Uncertain significance for Inborn genetic diseases. Last evaluated: 2025-10-15. Review status: criteria provided, single submitter. Criteria: Ambry Variant Classification Scheme 2023. Collection method: clinical testing. Allele origin: germline.
Comment: The c.2936A>G (p.H979R) alteration is located in exon 21 (coding exon 21) of the MIB1 gene. This alteration results from a A to G substitution at nucleotide position 2936, causing the histidine (H) at amino acid position 979 to be replaced by an arginine (R). Based on data from gnomAD, the G allele has an overall frequency of <0.001% (1/282862) total alleles studied. The highest observed frequency was 0.001% (1/129172) of European (non-Finnish) alleles. Based on insufficient or conflicting evidence, the clinical significance of this alteration remains unclear.

AiLife Diagnostics
Classification: Uncertain significance. Last evaluated: 2021-08-03. Review status: criteria provided, single submitter. Criteria: ACMG Guidelines, 2015. Collection method: clinical testing. Allele origin: germline. Affected: yes. Observed: 1 variant allele.

NM_020774.4(MIB1):c.2936A>G (p.His979Arg)

Gene: MIB1 (MIB E3 ubiquitin protein ligase 1; plus strand). Cytogenetic location: 18q11.2.
Variant type: single nucleotide variant.
Coding change: c.2936A>G on transcript NM_020774.4 (MANE Select); coding-DNA position 2936, A replaced by G.
Protein change: p.His979Arg; replaces histidine 979 with arginine.
Molecular consequence: missense variant.
Genome position (GRCh38, 1-based): chr18:21,864,581, A>G. VCF-style: chr18-21864581-A-G. GRCh37 (hg19) VCF-style: chr18-19444542-A-G.
Other names: c.2936A>G (NM_020774.2); short protein forms H979R.
Identifiers: ClinVar variation 1677435 (VCV001677435.2), dbSNP rs1308781293, ClinGen allele CA401798065.